The following is an entry in ClinVar:

ClinVar aggregate classification (germline): Uncertain significance (1 of 4 stars; one submission).

Conditions:
DICER1-related tumor predisposition. Also called: DICER1-related pleuropulmonary blastoma cancer predisposition syndrome; DICER1 syndrome. Identifiers: Orphanet 284343, MedGen C3839822, MONDO:0100216.

Allele frequency attached by ClinVar (database versions not stated): gnomAD exomes 0.00001.
gnomAD v4.1: 13 of 1,614,124 alleles (0.00081%); highest among the groups gnomAD compares: Non-Finnish European, 0.0011%; no homozygotes.

Submission:

Labcorp Genetics (formerly Invitae), Labcorp
Classification: Uncertain significance for DICER1-related tumor predisposition. Last evaluated: 2024-01-19. Review status: criteria provided, single submitter. Criteria: Invitae Variant Classification Sherloc (09022015). Collection method: clinical testing. Allele origin: germline.
Comment: This sequence change replaces tyrosine, which is neutral and polar, with histidine, which is basic and polar, at codon 1675 of the DICER1 protein (p.Tyr1675His). This variant is not present in population databases (gnomAD no frequency). This variant has not been reported in the literature in individuals affected with DICER1-related conditions. ClinVar contains an entry for this variant (Variation ID: 477234). Advanced modeling of protein sequence and biophysical properties (such as structural, functional, and spatial information, amino acid conservation, physicochemical variation, residue mobility, and thermodynamic stability) performed at Invitae indicates that this missense variant is expected to disrupt DICER1 protein function with a positive predictive value of 80%. In summary, the available evidence is currently insufficient to determine the role of this variant in disease. Therefore, it has been classified as a Variant of Uncertain Significance.

NM_177438.3(DICER1):c.5023T>C (p.Tyr1675His)

Gene: DICER1 (dicer 1, ribonuclease III; minus strand). Cytogenetic location: 14q32.13.
Variant type: single nucleotide variant.
Coding change: c.5023T>C on transcript NM_177438.3 (MANE Select); coding-DNA position 5023, T replaced by C.
Protein change: p.Tyr1675His; replaces tyrosine 1675 with histidine.
Molecular consequence: missense variant.
Genome position (GRCh38, 1-based): chr14:95,095,897, A>G on the plus strand (T>C on the coding strand, the complement: DICER1 is on the minus strand). VCF-style: chr14-95095897-A-G. GRCh37 (hg19) VCF-style: chr14-95562234-A-G.
Other names: c.5023T>C, p.Tyr1675His (NM_001195573.1, NM_001271282.3, NM_001291628.2 and 1 more transcripts); short protein forms Y1675H.
Identifiers: ClinVar variation 477234 (VCV000477234.10), dbSNP rs1555367518, ClinGen allele CA390866074.